The following is an entry in ClinVar:

ClinVar aggregate classification (germline): Uncertain significance. Review status: criteria provided, multiple submitters, no conflicts (2 of 4 stars). 4 submissions from 4 submitters: Uncertain significance (4). Last evaluated 2026-01-12.

Conditions:
Inborn genetic diseases. Identifiers: MedGen C0950123, MeSH D030342.

Allele frequency attached by ClinVar (database versions not stated): gnomAD 0.00005; ExAC 0.00007; TOPMed 0.00007; ESP Exome Variant Server 0.00008.
gnomAD v4.1: 254 of 1,612,320 alleles (0.016%); highest among the groups gnomAD compares: Non-Finnish European, 0.021%; no homozygotes.

Submissions (4):

Women's Health and Genetics/Laboratory Corporation of America, LabCorp
Classification: Uncertain significance. Last evaluated: 2026-01-12. Review status: criteria provided, single submitter. Criteria: LabCorp Variant Classification Summary - May 2015. Collection method: clinical testing. Allele origin: germline.
Comment: Variant summary: COL4A3 c.3515C>T (p.Thr1172Met) results in a non-conservative amino acid change in the encoded protein sequence. Algorithms developed to predict the effect of missense changes on protein structure and function are either unavailable or do not agree on the potential impact of this missense change. Several computational tools predict a significant impact on normal splicing: Two predict the variant abolishes a 5' splicing donor site and one predicts the variant weakens a 5' donor site. However, these predictions have yet to be confirmed by functional studies. The variant allele was found at a frequency of 6.4e-05 in 249486 control chromosomes. This frequency is not significantly higher than estimated for disease-causing variants in COL4A3, allowing no conclusion about variant significance. To our knowledge, no occurrence of c.3515C>T in individuals affected with COL4A3-related conditions and no experimental evidence demonstrating its impact on protein function have been reported. ClinVar contains an entry for this variant (Variation ID: 2058038). Based on the evidence outlined above, the variant was classified as uncertain significance.

Labcorp Genetics (formerly Invitae), Labcorp
Classification: Uncertain significance. Last evaluated: 2025-02-20. Review status: criteria provided, single submitter. Criteria: Invitae Variant Classification Sherloc (09022015). Collection method: clinical testing. Allele origin: germline.
Comment: This sequence change replaces threonine, which is neutral and polar, with methionine, which is neutral and non-polar, at codon 1172 of the COL4A3 protein (p.Thr1172Met). This variant is present in population databases (rs373950389, gnomAD 0.01%). This missense change has been observed in individual(s) with clinical features of COL4A3-related conditions (internal data). ClinVar contains an entry for this variant (Variation ID: 2058038). An algorithm developed to predict the effect of missense changes on protein structure and function outputs the following: PolyPhen-2: "Not Available". The methionine amino acid residue is found in multiple mammalian species, which suggests that this missense change does not adversely affect protein function. In summary, the available evidence is currently insufficient to determine the role of this variant in disease. Therefore, it has been classified as a Variant of Uncertain Significance.

Blueprint Genetics
Classification: Uncertain significance. Last evaluated: 2024-11-05. Review status: criteria provided, single submitter. Criteria: ACMG Guidelines, 2015. Collection method: clinical testing. Allele origin: germline.

Ambry Genetics
Classification: Uncertain significance for Inborn genetic diseases. Last evaluated: 2021-06-18. Review status: criteria provided, single submitter. Criteria: Ambry Variant Classification Scheme 2023. Collection method: clinical testing. Allele origin: germline.

NM_000091.5(COL4A3):c.3515C>T (p.Thr1172Met)

Genes: COL4A3 (collagen type IV alpha 3 chain; plus strand), MFF-DT (MFF divergent transcript; minus strand). Cytogenetic location: 2q36.3.
Variant type: single nucleotide variant.
Coding change: c.3515C>T on transcript NM_000091.5 (MANE Select); coding-DNA position 3515, C replaced by T.
Protein change: p.Thr1172Met; replaces threonine 1172 with methionine.
Molecular consequence: missense variant.
Genome position (GRCh38, 1-based): chr2:227,295,060, C>T. VCF-style: chr2-227295060-C-T. GRCh37 (hg19) VCF-style: chr2-228159776-C-T.
Other names: short protein forms T1172M.
Identifiers: ClinVar variation 2058038 (VCV002058038.6), dbSNP rs373950389, ClinGen allele CA2147264.